The following is an entry in ClinVar:

ClinVar aggregate classification (germline): Uncertain significance. Review status: criteria provided, multiple submitters, no conflicts (2 of 4 stars). 3 submissions from 3 submitters: Uncertain significance (3). Last evaluated 2025-06-10.

Conditions:
Inborn genetic diseases. Identifiers: MedGen C0950123, MeSH D030342.

Allele frequency attached by ClinVar (database versions not stated): TOPMed 0.00001.
gnomAD v4.1: 1 of 1,614,130 alleles (0.000062%); no homozygotes.

Submissions (3):

GeneDx
Classification: Uncertain significance. Last evaluated: 2025-06-10. Review status: criteria provided, single submitter. Criteria: GeneDx Variant Classification Process June 2021. Collection method: clinical testing. Allele origin: germline. Affected: yes.
Comment: Not observed at significant frequency in large population cohorts (gnomAD); In silico analysis suggests that this missense variant does not alter protein structure/function; Has not been previously published as pathogenic or benign to our knowledge

Labcorp Genetics (formerly Invitae), Labcorp
Classification: Uncertain significance. Last evaluated: 2024-12-28. Review status: criteria provided, single submitter. Criteria: Invitae Variant Classification Sherloc (09022015). Collection method: clinical testing. Allele origin: germline.
Comment: This sequence change replaces glycine, which is neutral and non-polar, with aspartic acid, which is acidic and polar, at codon 689 of the TCF20 protein (p.Gly689Asp). This variant is not present in population databases (gnomAD no frequency). This variant has not been reported in the literature in individuals affected with TCF20-related conditions. ClinVar contains an entry for this variant (Variation ID: 3175114). An algorithm developed to predict the effect of missense changes on protein structure and function (PolyPhen-2) suggests that this variant is likely to be disruptive. In summary, the available evidence is currently insufficient to determine the role of this variant in disease. Therefore, it has been classified as a Variant of Uncertain Significance.

Ambry Genetics
Classification: Uncertain significance for Inborn genetic diseases. Last evaluated: 2023-12-15. Review status: criteria provided, single submitter. Criteria: Ambry Variant Classification Scheme 2023. Collection method: clinical testing. Allele origin: germline.

NM_001378418.1(TCF20):c.2066G>A (p.Gly689Asp)

Gene: TCF20 (transcription factor 20; minus strand). Cytogenetic location: 22q13.2.
Variant type: single nucleotide variant.
Coding change: c.2066G>A on transcript NM_001378418.1 (MANE Select); coding-DNA position 2066, G replaced by A.
Protein change: p.Gly689Asp; replaces glycine 689 with aspartic acid.
Molecular consequence: missense variant.
Genome position (GRCh38, 1-based): chr22:42,213,240, C>T on the plus strand (G>A on the coding strand, the complement: TCF20 is on the minus strand). VCF-style: chr22-42213240-C-T. GRCh37 (hg19) VCF-style: chr22-42609246-C-T.
Other names: c.2066G>A, p.Gly689Asp (NM_005650.4, NM_181492.3); short protein forms G689D.
Identifiers: ClinVar variation 3175114 (VCV003175114.4), dbSNP rs1034050418, ClinGen allele CA324701759.
Genomic context (GRCh38, chr22:42,213,240, plus strand): 5'-TAACTATAGCGCAGACTTCCAGGAGATTTGCTAGGCTCAGTTCTGCTCGTAAAACCAGGG[C>T]CCGCTGCAGAGTGGCCACTCTGGCCATTTCCTTCTCCATTATGGTTGGAGTTGTTATCGC-3'
Protein context (NP_001365347.1, residues 679-699): GNGQSGHSAA[Gly689Asp]PGFTSRTEPS